The following is an entry in ClinVar:

NM_002085.5(GPX4):c.85-333C>A

Gene: GPX4 (glutathione peroxidase 4; plus strand). Cytogenetic location: 19p13.3.
Variant type: single nucleotide variant.
Coding change: c.85-333C>A on transcript NM_002085.5 (MANE Select); 333 bases into the intron before coding-DNA position 85, C replaced by A.
Molecular consequence: intron variant. On other transcripts: missense variant (1).
Genome position (GRCh38, 1-based): chr19:1,104,853, C>A. VCF-style: chr19-1104853-C-A. GRCh37 (hg19) VCF-style: chr19-1104852-C-A.
Other names: c.119C>A, p.Ala40Glu (NM_001039848.4); c.85-333C>A (NM_001039847.3); c.4-333C>A (NM_001367832.1); short protein forms A40E.
Identifiers: ClinVar variation 1958723 (VCV001958723.5), dbSNP rs768925022, ClinGen allele CA9037147.

ClinVar aggregate classification (germline): Uncertain significance (1 of 4 stars; one submission).

Allele frequency attached by ClinVar (database versions not stated): gnomAD exomes 0.00002; ExAC 0.00009; gnomAD 0.00011.

Submission:

Labcorp Genetics (formerly Invitae), Labcorp
Classification: Uncertain significance. Last evaluated: 2025-05-12. Review status: criteria provided, single submitter. Criteria: Invitae Variant Classification Sherloc (09022015). Collection method: clinical testing. Allele origin: germline.
Comment: This sequence change replaces alanine, which is neutral and non-polar, with glutamic acid, which is acidic and polar, at codon 40 of the GPX4 protein (p.Ala40Glu). The frequency data for this variant in the population databases is considered unreliable, as metrics indicate poor data quality at this position in the gnomAD database. This variant has not been reported in the literature in individuals affected with GPX4-related conditions. ClinVar contains an entry for this variant (Variation ID: 1958723). Experimental studies and prediction algorithms are not available or were not evaluated, and the functional significance of this variant is currently unknown. In summary, the available evidence is currently insufficient to determine the role of this variant in disease. Therefore, it has been classified as a Variant of Uncertain Significance.